The following is an entry in ClinVar:

NM_004171.4(SLC1A2):c.228G>A (p.Met76Ile)

Gene: SLC1A2 (solute carrier family 1 member 2; minus strand). Cytogenetic location: 11p13.
Variant type: single nucleotide variant.
Coding change: c.228G>A on transcript NM_004171.4 (MANE Select); coding-DNA position 228, G replaced by A.
Protein change: p.Met76Ile; replaces methionine 76 with isoleucine.
Molecular consequence: missense variant.
Genome position (GRCh38, 1-based): chr11:35,315,105, C>T on the plus strand (G>A on the coding strand, the complement: SLC1A2 is on the minus strand). VCF-style: chr11-35315105-C-T. GRCh37 (hg19) VCF-style: chr11-35336652-C-T.
Other names: c.201G>A, p.Met67Ile (NM_001195728.3, NM_001252652.2); short protein forms M67I, M76I.
Identifiers: ClinVar variation 3602337 (VCV003602337.1).

ClinVar aggregate classification (germline): Uncertain significance (1 of 4 stars; one submission).

Submission:

GeneDx
Classification: Uncertain significance. Last evaluated: 2024-07-24. Review status: criteria provided, single submitter. Criteria: GeneDx Variant Classification Process June 2021. Collection method: clinical testing. Allele origin: germline. Affected: yes.
Comment: Not observed at significant frequency in large population cohorts (gnomAD); In silico analysis indicates that this missense variant does not alter protein structure/function; Has not been previously published as pathogenic or benign to our knowledge